The following is an entry in ClinVar:

NM_052872.4(IL17F):c.403C>G (p.Gln135Glu)

Gene: IL17F (interleukin 17F; minus strand). Cytogenetic location: 6p12.2.
Variant type: single nucleotide variant.
Coding change: c.403C>G on transcript NM_052872.4 (MANE Select); coding-DNA position 403, C replaced by G.
Protein change: p.Gln135Glu; replaces glutamine 135 with glutamic acid.
Molecular consequence: missense variant.
Genome position (GRCh38, 1-based): chr6:52,237,020, G>C on the plus strand (C>G on the coding strand, the complement: IL17F is on the minus strand). VCF-style: chr6-52237020-G-C. GRCh37 (hg19) VCF-style: chr6-52101818-G-C.
Other names: c.403C>G (NM_052872.3); short protein forms Q135E.
Identifiers: ClinVar variation 1494704 (VCV001494704.9), dbSNP rs969467406, ClinGen allele CA138968804.

ClinVar aggregate classification (germline): Uncertain significance. Review status: criteria provided, multiple submitters, no conflicts (2 of 4 stars). 2 submissions from 2 submitters: Uncertain significance (2). Last evaluated 2025-08-30.

Conditions:
Candidiasis, familial, 6 (CANDF6). Also called: Candidiasis, familial, 6, autosomal dominant. Identifiers: Orphanet 1334, MedGen C3151405, MONDO:0013503, OMIM 613956.

Allele frequency attached by ClinVar (database versions not stated): gnomAD exomes below 0.00001; gnomAD 0.00001; TOPMed 0.00001.
gnomAD v4.1: 4 of 1,614,092 alleles (0.00025%); highest among the groups gnomAD compares: Non-Finnish European, 0.00034%; no homozygotes.

Submissions (2):

Ambry Genetics
Classification: Uncertain significance. Last evaluated: 2025-08-30. Review status: criteria provided, single submitter. Criteria: Ambry Variant Classification Scheme 2023. Collection method: clinical testing. Allele origin: germline.

Labcorp Genetics (formerly Invitae), Labcorp
Classification: Uncertain significance for Candidiasis, familial, 6. Last evaluated: 2021-05-18. Review status: criteria provided, single submitter. Criteria: Invitae Variant Classification Sherloc (09022015). Collection method: clinical testing. Allele origin: germline.
Comment: This sequence change replaces glutamine with glutamic acid at codon 135 of the IL17F protein (p.Gln135Glu). The glutamine residue is moderately conserved and there is a small physicochemical difference between glutamine and glutamic acid. This variant is not present in population databases (ExAC no frequency). This variant has not been reported in the literature in individuals with IL17F-related conditions. Algorithms developed to predict the effect of missense changes on protein structure and function output the following: SIFT: "Tolerated"; PolyPhen-2: "Benign"; Align-GVGD: "Class C0". The glutamic acid amino acid residue is found in multiple mammalian species, suggesting that this missense change does not adversely affect protein function. These predictions have not been confirmed by published functional studies and their clinical significance is uncertain. In summary, the available evidence is currently insufficient to determine the role of this variant in disease. Therefore, it has been classified as a Variant of Uncertain Significance.